The following is an entry in ClinVar:

NM_001083614.2(EARS2):c.1369_1370delinsGA (p.Ser457Asp)

Gene: EARS2 (glutamyl-tRNA synthetase 2, mitochondrial; minus strand). Cytogenetic location: 16p12.2.
Variant type: Indel.
Coding change: c.1369_1370delinsGA on transcript NM_001083614.2 (MANE Select); coding-DNA positions 1369 to 1370, AG replaced by GA.
Protein change: p.Ser457Asp; replaces serine 457 with aspartic acid.
Molecular consequence: missense variant. On other transcripts: non-coding transcript variant (1).
Genome position (GRCh38, 1-based): chr16:23,525,362-23,525,363, CT replaced by TC on the plus strand (AG replaced by GA on the coding strand, the reverse complement: EARS2 is on the minus strand). VCF-style: chr16-23525362-CT-TC. GRCh37 (hg19) VCF-style: chr16-23536683-CT-TC.
Other names: c.1369_1370delinsGA, p.Ser457Asp (NM_001308211.1); short protein forms S457D.
Identifiers: ClinVar variation 1423747 (VCV001423747.6), dbSNP rs2142159530, ClinGen allele CA2573152139.
Genomic context (GRCh38, chr16:23,525,362, plus strand): 5'-TCCAGACCTTCTGATAGCTTCTTCAGTTCTCCATTCAGCATATCCTGAGTTAAGCTCATA[CT>TC]AGATCTTTCTAGAAGCCTAGAAGAAGAGGGCCAGTTTACAGGGCCTGCATGGGCCAATGG-3'
Protein context (NP_001077083.1, residues 447-467): KRVLGLLERS[Ser457Asp]MSLTQDMLNG

ClinVar aggregate classification (germline): Uncertain significance (1 of 4 stars; one submission).

Submission:

Labcorp Genetics (formerly Invitae), Labcorp
Classification: Uncertain significance. Last evaluated: 2023-07-10. Review status: criteria provided, single submitter. Criteria: Invitae Variant Classification Sherloc (09022015). Collection method: clinical testing. Allele origin: germline.
Comment: This sequence change replaces serine with aspartic acid at codon 457 of the EARS2 protein (p.Ser457Asp). The serine residue is weakly conserved and there is a small physicochemical difference between serine and aspartic acid. The frequency data for this variant in the population databases is considered unreliable, as metrics indicate poor data quality at this position in the gnomAD database. This variant has not been reported in the literature in individuals affected with EARS2-related conditions. ClinVar contains an entry for this variant (Variation ID: 1423747). An algorithm developed to predict the effect of missense changes on protein structure and function (PolyPhen-2) suggests that this variant is likely to be tolerated. In summary, the available evidence is currently insufficient to determine the role of this variant in disease. Therefore, it has been classified as a Variant of Uncertain Significance.